The following is an entry in ClinVar:

ClinVar aggregate classification (germline): Uncertain significance (1 of 4 stars; one submission).

Conditions:
Bethlem myopathy 1A. Also called: MYOPATHY, BENIGN CONGENITAL, WITH CONTRACTURES; Bethlem myopathy 1; Bethlem Muscular Dystrophy. Identifiers: Orphanet 610, MedGen CN029274, MONDO:0024530, OMIM 158810.

Submission:

Labcorp Genetics (formerly Invitae), Labcorp
Classification: Uncertain significance for Bethlem myopathy 1A. Last evaluated: 2025-05-13. Review status: criteria provided, single submitter. Criteria: Invitae Variant Classification Sherloc (09022015). Collection method: clinical testing. Allele origin: germline.
Comment: This sequence change replaces glutamine, which is neutral and polar, with histidine, which is basic and polar, at codon 396 of the COL6A2 protein (p.Gln396His). This variant is not present in population databases (gnomAD no frequency). This variant has not been reported in the literature in individuals affected with COL6A2-related conditions. Invitae Evidence Modeling of protein sequence and biophysical properties (such as structural, functional, and spatial information, amino acid conservation, physicochemical variation, residue mobility, and thermodynamic stability) indicates that this missense variant is not expected to disrupt COL6A2 protein function with a negative predictive value of 80%. In summary, the available evidence is currently insufficient to determine the role of this variant in disease. Therefore, it has been classified as a Variant of Uncertain Significance.

NM_001849.4(COL6A2):c.1188A>C (p.Gln396His)

Gene: COL6A2 (collagen type VI alpha 2 chain; plus strand). Cytogenetic location: 21q22.3.
Variant type: single nucleotide variant.
Coding change: c.1188A>C on transcript NM_001849.4 (MANE Select); coding-DNA position 1188, A replaced by C.
Protein change: p.Gln396His; replaces glutamine 396 with histidine.
Molecular consequence: missense variant.
Genome position (GRCh38, 1-based): chr21:46,119,038, A>C. VCF-style: chr21-46119038-A-C. GRCh37 (hg19) VCF-style: chr21-47538952-A-C.
Other names: c.1188A>C, p.Gln396His (NM_058174.3, NM_058175.3); short protein forms Q396H.
Identifiers: ClinVar variation 4742040 (VCV004742040.1).